The following is an entry in ClinVar:

ClinVar aggregate classification (germline): Uncertain significance. Review status: reviewed by expert panel (3 of 4 stars). 4 submissions from 4 submitters: Uncertain significance (1). 3 of the submissions do not count toward it. Last evaluated 2026-05-01.

Conditions:
Inborn genetic diseases. Identifiers: MedGen C0950123, MeSH D030342.
Autosomal recessive limb-girdle muscular dystrophy type 2C (LGMDR5). Also called: MUSCULAR DYSTROPHY, DUCHENNE-LIKE; MUSCULAR DYSTROPHY, LIMB-GIRDLE, AUTOSOMAL RECESSIVE 5. Identifiers: Orphanet 353, MedGen C0410173, MONDO:0009677, OMIM 253700. Disease mechanism: Affects gamma-sarcoglycan and also disrupts the integrity of the entire sarcoglycan complex..
Autosomal recessive limb-girdle muscular dystrophy. Identifiers: Orphanet 102015, MedGen C2931907, MONDO:0015152.

Allele frequency attached by ClinVar (database versions not stated): ExAC 0.00001; TOPMed 0.00001; ESP Exome Variant Server 0.00015.

Submissions (4):

ClinGen Limb Girdle Muscular Dystrophy Variant Curation Expert Panel, ClinGen
Classification: Uncertain significance for Autosomal recessive limb-girdle muscular dystrophy. Last evaluated: 2026-05-01. Review status: reviewed by expert panel. Criteria: ClinGen LGMD VCEP ACMG Specifications SGCG V2.0.0. Collection method: curation. Allele origin: germline. Inheritance: Autosomal recessive inheritance.
Comment: The NM_000231.3: c.212T>C variant in SGCG is a missense variant expected to result in the substitution of leucine for serine at amino acid 71, p.(Leu71Ser). At least one of these patients had a clinical diagnosis of LGMD (PP4). This variant is absent from gnomAD v4.1.0 (PM2_Supporting). The computational predictor REVEL gives a score of 0.923, which is above the threshold of 0.7, evidence that correlates with impact to SGCG function (PP3). In summary, there is currently insufficient evidence to classify this variant as pathogenic or benign, and it remains a variant of uncertain significance for autosomal recessive limb girdle muscular dystrophy based on the ACMG/AMP criteria applied, as specified by the ClinGen LGMD VCEP (LGMD VCEP specifications version 2.0.0; 05/01/2026): PM3, PP4, PP3, PM2_Supporting.

Women's Health and Genetics/Laboratory Corporation of America, LabCorp
Classification: Uncertain significance. Last evaluated: 2023-05-05. Review status: criteria provided, single submitter. Criteria: LabCorp Variant Classification Summary - May 2015. Collection method: clinical testing. Allele origin: germline. Not counted in ClinVar's aggregate classification.
Comment: Variant summary: SGCG c.212T>C (p.Leu71Ser) results in a non-conservative amino acid change in the encoded protein sequence. Five of five in-silico tools predict a damaging effect of the variant on protein function. The variant allele was found at a frequency of 4e-06 in 251290 control chromosomes (gnomAD). c.212T>C has been reported in the literature in at least one homozygous individual affected with Limb-Girdle Muscular Dystrophy, Autosomal Recessive (Reddy_2017). These data indicate that the variant may be associated with disease. To our knowledge, no experimental evidence demonstrating an impact on protein function has been reported. The following publication has been ascertained in the context of this evaluation (PMID: 27708273). No clinical diagnostic laboratories have submitted clinical-significance assessments for this variant to ClinVar after 2014. Based on the evidence outlined above, the variant was classified as VUS-possibly pathogenic.

Ambry Genetics
Classification: Likely pathogenic for Inborn genetic diseases. Last evaluated: 2025-03-25. Review status: flagged submission. Criteria: Ambry Variant Classification Scheme 2023. Collection method: clinical testing. Allele origin: germline. Not counted in ClinVar's aggregate classification.
Comment: The c.212T>C (p.L71S) alteration is located in exon 3 (coding exon 2) of the SGCG gene. This alteration results from a T to C substitution at nucleotide position 212, causing the leucine (L) at amino acid position 71 to be replaced by a serine (S). Based on data from gnomAD, the C allele has an overall frequency of <0.001% (1/251290) total alleles studied. The highest observed frequency was 0.006% (1/16250) of African alleles. This variant has been identified in the homozygous state in an individual with features consistent with limb-girdle muscular dystrophy (Saha, 2018). This amino acid position is highly conserved in available vertebrate species. This alteration is predicted to be deleterious by in silico analysis. Based on the available evidence, this alteration is classified as likely pathogenic.
ClinVar note: Reason: Conflicts with expert reviewed submission without evidence to support different classification

Revvity Omics, Revvity
Classification: Likely pathogenic for Autosomal recessive limb-girdle muscular dystrophy type 2C. Last evaluated: 2025-03-11. Review status: flagged submission. Criteria: ACMG Guidelines, 2015. Collection method: clinical testing. Allele origin: germline. Not counted in ClinVar's aggregate classification.
ClinVar note: Reason: Conflicts with expert reviewed submission without evidence to support different classification

Literature cited by the submitters: PubMed 27708273 (cited by Women's Health and Genetics/Laboratory Corporation of America, LabCorp); PubMed 30345904 (cited by Ambry Genetics).

NM_000231.3(SGCG):c.212T>C (p.Leu71Ser)

Gene: SGCG (sarcoglycan gamma; plus strand). Cytogenetic location: 13q12.12.
Variant type: single nucleotide variant.
Coding change: c.212T>C on transcript NM_000231.3 (MANE Select); coding-DNA position 212, T replaced by C.
Protein change: p.Leu71Ser; replaces leucine 71 with serine.
Molecular consequence: missense variant.
Genome position (GRCh38, 1-based): chr13:23,234,627, T>C. VCF-style: chr13-23234627-T-C. GRCh37 (hg19) VCF-style: chr13-23808766-T-C.
Other names: NM_000231.3(SGCG):c.212T>C; p.Leu71Ser; c.266T>C, p.Leu89Ser (NM_001378244.1); c.212T>C, p.Leu71Ser (NM_001378245.1, NM_001378246.1); short protein forms L71S, L89S.
Identifiers: ClinVar variation 2506158 (VCV002506158.4), dbSNP rs143009120, ClinGen allele CA6909613.